The following is an entry in ClinVar:

ClinVar aggregate classification (germline): Pathogenic (1 of 4 stars; one submission).

Conditions:
Inborn genetic diseases. Identifiers: MedGen C0950123, MeSH D030342.

Submission:

Ambry Genetics
Classification: Pathogenic for Inborn genetic diseases. Last evaluated: 2023-02-15. Review status: criteria provided, single submitter. Criteria: Ambry Variant Classification Scheme 2023. Collection method: clinical testing. Allele origin: germline.
Comment: The c.7123C>T (p.Q2375*) alteration, located in exon 36 (coding exon 36) of the KMT2C gene, consists of a C to T substitution at nucleotide position 7123. This changes the amino acid from a glutamine (Q) to a stop codon at amino acid position 2375. This alteration is expected to result in loss of function by premature protein truncation or nonsense-mediated mRNA decay. This variant was not reported in population-based cohorts in the Genome Aggregation Database (gnomAD). Based on the available evidence, this alteration is classified as pathogenic.

NM_170606.3(KMT2C):c.7123C>T (p.Gln2375Ter)

Gene: KMT2C (lysine methyltransferase 2C; minus strand). Cytogenetic location: 7q36.1.
Variant type: single nucleotide variant.
Coding change: c.7123C>T on transcript NM_170606.3 (MANE Select); coding-DNA position 7123, C replaced by T.
Protein change: p.Gln2375Ter; replaces glutamine 2375 with a stop codon.
Molecular consequence: nonsense.
Genome position (GRCh38, 1-based): chr7:152,180,737, G>A on the plus strand (C>T on the coding strand, the complement: KMT2C is on the minus strand). VCF-style: chr7-152180737-G-A. GRCh37 (hg19) VCF-style: chr7-151877822-G-A.
Other names: short protein forms Q2375*.
Identifiers: ClinVar variation 2475685 (VCV002475685.2), dbSNP rs2129119051, ClinGen allele CA370089954.